The following is an entry in ClinVar:

NM_006196.4(PCBP1):c.678_680delinsCC (p.Gln227fs)

Gene: PCBP1 (poly(rC) binding protein 1; plus strand). Cytogenetic location: 2p13.3.
Variant type: Indel.
Coding change: c.678_680delinsCC on transcript NM_006196.4 (MANE Select); coding-DNA positions 678 to 680, ACA replaced by CC.
Protein change: p.Gln227fs; shifts the reading frame from glutamine 227.
Molecular consequence: frameshift variant.
Genome position (GRCh38, 1-based): chr2:70,088,421-70,088,423, ACA replaced by CC. VCF-style: chr2-70088421-ACA-CC. GRCh37 (hg19) VCF-style: chr2-70315553-ACA-CC.
Other names: short protein forms Q227fs.
Identifiers: ClinVar variation 5017959 (VCV005017959.1).
Genomic context (GRCh38, chr2:70,088,421, plus strand): 5'-CTACCCCCATGCCACCCATGACCTGGAGGGACCACCTCTAGATGCCTACTCGATTCAAGG[ACA>CC]ACACACCATTTCTCCGCTCGATCTGGCCAAGCTGAACCAGGTGGCAAGACAACAGTCTCA-3'

ClinVar aggregate classification (germline): Uncertain significance (1 of 4 stars; one submission).

Submission:

GeneDx
Classification: Uncertain significance. Last evaluated: 2026-03-31. Review status: criteria provided, single submitter. Criteria: GeneDx Variant Classification Process June 2021. Collection method: clinical testing. Allele origin: germline.
Comment: Not observed at significant frequency in large population cohorts (gnomAD); Frameshift variant predicted to result in abnormal protein length as the last 130 amino acid(s) are replaced with 11 different amino acid(s); Has not been previously published as pathogenic or benign to our knowledge; Variants in candidate genes are classified as variants of uncertain significance in accordance with ACMG guidelines (PMID: 25741868)